The following is an entry in ClinVar:

NM_001267550.2(TTN):c.98168_98169del (p.Arg32723fs)

Genes: TTN (titin; minus strand), TTN-AS1 (TTN antisense RNA 1; plus strand). Cytogenetic location: 2q31.2.
Variant type: Deletion.
Coding change: c.98168_98169del on transcript NM_001267550.2 (MANE Select); coding-DNA positions 98168 to 98169, 2 bases deleted (GA; older notation c.98168_98169delGA).
Protein change: p.Arg32723fs; shifts the reading frame from arginine 32723.
Molecular consequence: frameshift variant.
Genome position (GRCh38, 1-based): chr2:178,539,896-178,539,897, TC deleted on the plus strand (GA on the coding strand, the reverse complement: TTN is on the minus strand); deleting any 2 consecutive bases within chr2:178,539,896-178,539,898 gives the same sequence; the c. name uses the placement nearest the transcript's 3' end. VCF-style (leftmost placement, unchanged base first): chr2-178539895-GTC-G. GRCh37 (hg19) VCF-style: chr2-179404622-GTC-G.
Other names: c.93245_93246del, p.Arg31082fs (NM_001256850.1); c.70973_70974del, p.Arg23658fs (NM_003319.4); c.90464_90465del, p.Arg30155fs (NM_133378.4); c.71348_71349del, p.Arg23783fs (NM_133432.3); c.71549_71550del, p.Arg23850fs (NM_133437.4); short protein forms R23658fs, R23783fs, R23850fs, R30155fs, R31082fs, R32723fs.
Identifiers: ClinVar variation 1067833 (VCV001067833.9), dbSNP rs2154140269, ClinGen allele CA2499215301.

ClinVar aggregate classification (germline): Likely pathogenic (1 of 4 stars; one submission).

Conditions:
Dilated cardiomyopathy 1G (CMD1G). Identifiers: Orphanet 154, MedGen C1858763, MONDO:0011400, OMIM 604145.
Autosomal recessive limb-girdle muscular dystrophy type 2J (LGMDR10). Also called: Limb-girdle muscular dystrophy, type 2J; MUSCULAR DYSTROPHY, LIMB-GIRDLE, AUTOSOMAL RECESSIVE 10. Identifiers: Orphanet 140922, MedGen C1837342, MONDO:0012127, OMIM 608807.

Submission:

Labcorp Genetics (formerly Invitae), Labcorp
Classification: Likely pathogenic for Dilated cardiomyopathy 1G; Autosomal recessive limb-girdle muscular dystrophy type 2J. Last evaluated: 2020-10-05. Review status: criteria provided, single submitter. Criteria: Invitae Variant Classification Sherloc (09022015). Collection method: clinical testing. Allele origin: germline.
Comment: This sequence change results in a premature translational stop signal in the TTN gene (p.Arg32723Thrfs*14). While this is not anticipated to result in nonsense mediated decay, it is expected to create a truncated TTN protein. This variant is not present in population databases (ExAC no frequency). This variant has not been reported in the literature in individuals with TTN-related conditions. This variant is located in the A band of TTN (PMID: 25589632). Truncating variants in this region are significantly overrepresented in patients affected with dilated cardiomyopathy (PMID: 25589632). Truncating variants in this region have also been reported in individuals affected with autosomal recessive centronuclear myopathy (PMID: 23975875). In summary, the currently available evidence indicates that the variant is pathogenic, but additional data are needed to prove that conclusively. Therefore, this variant has been classified as Likely Pathogenic.

Literature cited by the submitters: PubMed 25589632; PubMed 23975875.